The following is an entry in ClinVar:

ClinVar aggregate classification (germline): Uncertain significance (1 of 4 stars; one submission).

Submission:

Ambry Genetics
Classification: Uncertain significance. Last evaluated: 2024-09-16. Review status: criteria provided, single submitter. Criteria: Ambry Variant Classification Scheme 2023. Collection method: clinical testing. Allele origin: germline.
Comment: The p.N279K variant (also known as c.837T>G), located in coding exon 6 of the POLQ gene, results from a T to G substitution at nucleotide position 837. The asparagine at codon 279 is replaced by lysine, an amino acid with similar properties. This amino acid position is conserved. In addition, this alteration is predicted to be tolerated by in silico analysis. Based on the available evidence, the clinical significance of this variant remains unclear.

NM_199420.4(POLQ):c.837T>G (p.Asn279Lys)

Gene: POLQ (DNA polymerase theta; minus strand). Cytogenetic location: 3q13.33.
Variant type: single nucleotide variant.
Coding change: c.837T>G on transcript NM_199420.4 (MANE Select); coding-DNA position 837, T replaced by G.
Protein change: p.Asn279Lys; replaces asparagine 279 with lysine.
Molecular consequence: missense variant.
Genome position (GRCh38, 1-based): chr3:121,533,113, A>C on the plus strand (T>G on the coding strand, the complement: POLQ is on the minus strand). VCF-style: chr3-121533113-A-C. GRCh37 (hg19) VCF-style: chr3-121251960-A-C.
Other names: short protein forms N279K.
Identifiers: ClinVar variation 3422402 (VCV003422402.1).
Genomic context (GRCh38, chr3:121,533,113, plus strand): 5'-TCCAACTTTTACTGACTCCAAAAGCGGTACAGGGCGAAAGTCGGTATGGTAGAGTTCAGC[A>C]TTCAACCAGGAAGCCACAAGCTCCAAATTAGGAAGGGTAGCACTCATGCCAACGATTTGC-3'
Protein context (NP_955452.3, residues 269-289): PNLELVASWL[Asn279Lys]AELYHTDFRP